The following is an entry in ClinVar:

ClinVar aggregate classification (germline): Conflicting classifications of pathogenicity. Review status: criteria provided, conflicting classifications (1 of 4 stars). 10 submissions from 10 submitters: Pathogenic (8); Uncertain significance (1). 1 of the submissions does not count toward it. Last evaluated 2025-02-05.

Conditions:
Pseudohypoparathyroidism type I A (PHP1A). Also called: Pseudohypoparathyroidism Type IA; Pseudohypoparathyroidism type 1A; PHP IA; ALBRIGHT HEREDITARY OSTEODYSTROPHY WITH MULTIPLE HORMONE RESISTANCE; Pseudohypoparathyroidism Ia (PHP-Ia). Identifiers: Orphanet 79443, MedGen C3494506, MONDO:0007078, OMIM 103580.
GNAS-related disorder. Identifiers: MedGen CN380105.
Inborn genetic diseases. Identifiers: MedGen C0950123, MeSH D030342.
Pseudopseudohypoparathyroidism (PPHP). Also called: ALBRIGHT HEREDITARY OSTEODYSTROPHY WITHOUT MULTIPLE HORMONE RESISTANCE; Pseudopseudohypoparathyroidism (PPHP). Identifiers: Orphanet 79445, MedGen C0033835, MONDO:0012912, OMIM 612463.

Submissions (10):

3billion
Classification: Pathogenic for GNAS-related disorder. Last evaluated: 2025-02-05. Review status: criteria provided, single submitter. Criteria: ACMG Guidelines, 2015. Collection method: clinical testing. Allele origin: germline. Affected: yes.
Comment: The variant is not observed in the gnomAD v4.1.0 dataset. Predicted Consequence/Location: Missense variant Functional studies provide strong evidence of the variant having a damaging effect on the gene or gene product (PMID: 34614324, 9727013). In silico tool predictions suggest damaging effect of the variant on gene or gene product [REVEL: 0.69 (>=0.6, sensitivity 0.68 and specificity 0.92); 3Cnet: 0.98 (>=0.6, sensitivity 0.72 and precision 0.9)]. The same nucleotide change resulting in the same amino acid change has been previously reported as pathogenic/likely pathogenic with strong evidence (ClinVar ID: VCV000015941 /PMID: 9727013 /3billion dataset). The variant has been previously reported as de novo in a similarly affected individual (PMID: 28708303). The variant has been observed in at least two similarly affected unrelated individuals (PMID: 28708303, 34614324, 9727013). The variant has been previously reported as assumed (i.e. paternity and maternity not confirmed) de novo in at least one similarly affected unrelated individual (PMID: 9727013). Different missense changes at the same codon (p.Arg258Ala, p.Arg258Gln, p.Arg258Leu) have been reported as pathogenic/likely pathogenic with strong evidence (ClinVar ID: VCV000015942, VCV000453009, VCV001065888 /PMID: 29095814, 34614324 /3billion dataset). Therefore, this variant is classified as Pathogenic according to the recommendation of ACMG/AMP guideline.

Laboratoire de Génétique Moléculaire, CHU Bordeaux
Classification: Pathogenic for Pseudohypoparathyroidism type I A. Last evaluated: 2024-01-30. Review status: criteria provided, single submitter. Criteria: ACMG Guidelines, 2015. Collection method: clinical testing. Allele origin: germline. Affected: yes.

CeGaT Center for Human Genetics Tuebingen
Classification: Pathogenic. Last evaluated: 2023-10-01. Review status: criteria provided, single submitter. Criteria: CeGaT Center For Human Genetics Tuebingen Variant Classification Criteria Version 2. Collection method: clinical testing. Allele origin: germline. Affected: yes. Observed: 1 variant allele.
Comment: GNAS: PM2, PM5, PS4:Moderate, PM6:Supporting, PP2, PP3, PS3:Supporting

GeneDx
Classification: Pathogenic. Last evaluated: 2023-09-22. Review status: criteria provided, single submitter. Criteria: GeneDx Variant Classification Process June 2021. Collection method: clinical testing. Allele origin: germline. Affected: yes.
Comment: Published functional studies demonstrate a damaging effect as R258W causes a specific defect in activation (PMID: 9727013); Not observed in large population cohorts (gnomAD); This variant is associated with the following publications: (PMID: 9727013, 28708303, 31886927, 36835474, 27535533, 34614324)

Labcorp Genetics (formerly Invitae), Labcorp
Classification: Pathogenic. Last evaluated: 2023-09-17. Review status: criteria provided, single submitter. Criteria: Invitae Variant Classification Sherloc (09022015). Collection method: clinical testing. Allele origin: germline.
Comment: ClinVar contains an entry for this variant (Variation ID: 15941). This variant is also known as c.775C>T (p.Arg259Trp). This missense change has been observed in individual(s) with clinical features of GNAS-related conditions (PMID: 28708303, 31886927, 34614324). In at least one individual the variant was observed to be de novo. This variant is not present in population databases (gnomAD no frequency). This sequence change replaces arginine, which is basic and polar, with tryptophan, which is neutral and slightly polar, at codon 258 of the GNAS protein (p.Arg258Trp). Advanced modeling of protein sequence and biophysical properties (such as structural, functional, and spatial information, amino acid conservation, physicochemical variation, residue mobility, and thermodynamic stability) performed at Invitae indicates that this missense variant is not expected to disrupt GNAS protein function. For these reasons, this variant has been classified as Pathogenic. This variant disrupts the p.Arg258 amino acid residue in GNAS. Other variant(s) that disrupt this residue have been observed in individuals with GNAS-related conditions (PMID: 29095814, 34614324), which suggests that this may be a clinically significant amino acid residue. Experimental studies have shown that this missense change affects GNAS function (PMID: 9727013, 34614324).

Genetics of Obesity Study, University of Cambridge
Classification: Pathogenic for Pseudohypoparathyroidism type I A. Last evaluated: 2020-06-01. Review status: criteria provided, single submitter. Criteria: ACMG Guidelines, 2015. Collection method: research. Allele origin: de novo. Affected: yes.

Ambry Genetics
Classification: Pathogenic for Inborn genetic diseases. Last evaluated: 2018-05-17. Review status: criteria provided, single submitter. Criteria: Ambry exome assertion method (8-5-2015). Collection method: clinical testing. Allele origin: germline. Affected: yes. Observed: 1 variant allele.

Groupe Hospitalier Pitie Salpetriere, Uf Genomique Du Developpement, Assistance Publique Hopitaux de Paris Sorbonne Université
Classification: Pathogenic for Pseudopseudohypoparathyroidism. Last evaluated: 2017-01-06. Review status: criteria provided, single submitter. Criteria: ACMG Guidelines, 2015. Collection method: clinical testing. Allele origin: de novo. Affected: yes. Observed: 1 variant allele.
Comment: Intellectual disability; small stature

Eurofins Ntd Llc (ga)
Classification: Uncertain significance. Last evaluated: 2016-11-09. Review status: criteria provided, single submitter. Criteria: EGL Classification Definitions 2015. Collection method: clinical testing. Allele origin: germline. Observed: 3 variant alleles, 3 heterozygotes.

OMIM
Classification: Pathogenic for PSEUDOPSEUDOHYPOPARATHYROIDISM. Last evaluated: 1998-09-11. Review status: no assertion criteria provided. Collection method: literature only. Allele origin: germline. Not counted in ClinVar's aggregate classification.

Literature cited by the submitters: PubMed 34614324 (cited by 3 submitters); PubMed 28708303 (cited by 3 submitters); PubMed 29095814 (cited by 3billion and Labcorp Genetics (formerly Invitae), Labcorp); PubMed 9727013 (cited by 5 submitters); PubMed 31886927 (cited by Labcorp Genetics (formerly Invitae), Labcorp).

NM_000516.7(GNAS):c.772C>T (p.Arg258Trp)

Gene: GNAS (GNAS complex locus; plus strand). Cytogenetic location: 20q13.32.
Variant type: single nucleotide variant.
Coding change: c.772C>T on transcript NM_000516.7 (MANE Select); coding-DNA position 772, C replaced by T.
Protein change: p.Arg258Trp; replaces arginine 258 with tryptophan.
Molecular consequence: missense variant. On other transcripts: 3 prime UTR variant (2).
Genome position (GRCh38, 1-based): chr20:58,909,737, C>T. VCF-style: chr20-58909737-C-T. GRCh37 (hg19) VCF-style: chr20-57484792-C-T.
Other names: c.775C>T, p.Arg259Trp (NM_001077488.5); c.727C>T, p.Arg243Trp (NM_001077489.4); c.*633C>T (NM_001077490.3); c.595C>T, p.Arg199Trp (NM_001309840.2, NM_001309861.2); c.*678C>T (NM_016592.5); c.2701C>T, p.Arg901Trp (NM_080425.4); c.730C>T, p.Arg244Trp (NM_080426.4); short protein forms R258W, R243W, R244W, R259W, R901W, R199W.
Identifiers: ClinVar variation 15941 (VCV000015941.43), dbSNP rs137854535, ClinGen allele CA214672.